The following is an entry in ClinVar:

ClinVar aggregate classification (germline): Conflicting classifications of pathogenicity. Review status: criteria provided, conflicting classifications (1 of 4 stars). 2 submissions from 2 submitters: Likely pathogenic (1); Uncertain significance (1). Last evaluated 2025-10-14.

Conditions:
INTU-related disorder. Also called: INTU-related condition.

Submissions (2):

PreventionGenetics, part of Exact Sciences
Classification: Likely pathogenic for INTU-related condition. Last evaluated: 2025-10-14. Review status: criteria provided, single submitter. Criteria: ACMG Guidelines, 2015. Collection method: clinical testing. Allele origin: germline.
Comment: The INTU c.310delA variant is predicted to result in a frameshift and premature protein termination (p.Arg104Glufs*15). To our knowledge, this variant has not been reported in the literature. This variant is reported in 0.0055% of alleles in individuals of European (Non-Finnish) descent in gnomAD. Frameshift variants in INTU are expected to be pathogenic. This variant is interpreted as likely pathogenic.

Labcorp Genetics (formerly Invitae), Labcorp
Classification: Uncertain significance. Last evaluated: 2025-08-14. Review status: criteria provided, single submitter. Criteria: Invitae Variant Classification Sherloc (09022015). Collection method: clinical testing. Allele origin: germline.
Comment: This sequence change creates a premature translational stop signal (p.Arg104Glufs*15) in the INTU gene. It is expected to result in an absent or disrupted protein product. However, the current clinical and genetic evidence is not sufficient to establish whether loss-of-function variants in INTU cause disease. This variant is present in population databases (rs779523169, gnomAD 0.005%). This variant has not been reported in the literature in individuals affected with INTU-related conditions. ClinVar contains an entry for this variant (Variation ID: 2636803). In summary, the available evidence is currently insufficient to determine the role of this variant in disease. Therefore, it has been classified as a Variant of Uncertain Significance.

NM_015693.4(INTU):c.310del (p.Arg104fs)

Gene: INTU (inturned planar cell polarity protein; plus strand). Cytogenetic location: 4q28.1.
Variant type: Deletion.
Coding change: c.310del on transcript NM_015693.4 (MANE Select); coding-DNA position 310, one base deleted (A; older notation c.310delA).
Protein change: p.Arg104fs; shifts the reading frame from arginine 104.
Molecular consequence: frameshift variant.
Genome position (GRCh38, 1-based): chr4:127,643,684, A deleted; the last of 3 consecutive A bases (chr4:127,643,682-127,643,684); deleting any one gives the same sequence. VCF-style (leftmost placement, unchanged base first): chr4-127643681-GA-G. GRCh37 (hg19) VCF-style: chr4-128564836-GA-G.
Other names: short protein forms R104fs.
Identifiers: ClinVar variation 2636803 (VCV002636803.4), dbSNP rs779523169, ClinGen allele CA3074763.